The following is an entry in ClinVar:

ClinVar aggregate classification (germline): Uncertain significance. Review status: criteria provided, multiple submitters, no conflicts (2 of 4 stars). 4 submissions from 4 submitters: Uncertain significance (4). Last evaluated 2025-05-20.

Conditions:
Congenital myasthenic syndrome 8. Also called: MYASTHENIC SYNDROME, CONGENITAL, DUE TO AGRIN DEFICIENCY; Myasthenic syndrome, congenital, 8, with pre- and postsynaptic defects. Identifiers: Orphanet 590, MedGen C3808739, MONDO:0014052, OMIM 615120.

Allele frequency attached by ClinVar (database versions not stated): ExAC 0.00016; TOPMed 0.00017; 1000 Genomes Project 0.00020; gnomAD exomes 0.00021; gnomAD 0.00007; ESP Exome Variant Server 0.00015; 1000 Genomes Project 30x 0.00016.
gnomAD v4.1: 183 of 1,610,638 alleles (0.011%); highest among the groups gnomAD compares: Admixed American, 0.04%; no homozygotes.

Submissions (4):

Mayo Clinic Laboratories, Mayo Clinic
Classification: Uncertain significance. Last evaluated: 2025-05-20. Review status: criteria provided, single submitter. Criteria: ACMG Guidelines, 2015. Collection method: clinical testing. Allele origin: germline. Observed: 1 variant allele.
Comment: BP4_moderate

GeneDx
Classification: Uncertain significance. Last evaluated: 2022-11-14. Review status: criteria provided, single submitter. Criteria: GeneDx Variant Classification Process June 2021. Collection method: clinical testing. Allele origin: germline. Affected: yes.
Comment: In silico analysis supports that this missense variant does not alter protein structure/function; Has not been previously published as pathogenic or benign to our knowledge

Labcorp Genetics (formerly Invitae), Labcorp
Classification: Uncertain significance for Congenital myasthenic syndrome 8. Last evaluated: 2022-09-13. Review status: criteria provided, single submitter. Criteria: Invitae Variant Classification Sherloc (09022015). Collection method: clinical testing. Allele origin: germline.
Comment: This sequence change replaces arginine, which is basic and polar, with glutamine, which is neutral and polar, at codon 622 of the AGRN protein (p.Arg622Gln). This variant is present in population databases (rs140789461, gnomAD 0.05%). This variant has not been reported in the literature in individuals affected with AGRN-related conditions. ClinVar contains an entry for this variant (Variation ID: 541147). Algorithms developed to predict the effect of missense changes on protein structure and function output the following: SIFT: "Tolerated"; PolyPhen-2: "Possibly Damaging"; Align-GVGD: "Class C0". The glutamine amino acid residue is found in multiple mammalian species, which suggests that this missense change does not adversely affect protein function. Algorithms developed to predict the effect of sequence changes on RNA splicing suggest that this variant may create or strengthen a splice site. In summary, the available evidence is currently insufficient to determine the role of this variant in disease. Therefore, it has been classified as a Variant of Uncertain Significance.

CeGaT Center for Human Genetics Tuebingen
Classification: Uncertain significance. Last evaluated: 2018-07-01. Review status: criteria provided, single submitter. Criteria: CeGaT Center For Human Genetics Tuebingen Variant Classification Criteria Version 2. Collection method: clinical testing. Allele origin: germline. Affected: yes. Observed: 1 variant allele.

NM_198576.4(AGRN):c.1865G>A (p.Arg622Gln)

Gene: AGRN (agrin; plus strand). Cytogenetic location: 1p36.33.
Variant type: single nucleotide variant.
Coding change: c.1865G>A on transcript NM_198576.4 (MANE Select); coding-DNA position 1865, G replaced by A.
Protein change: p.Arg622Gln; replaces arginine 622 with glutamine.
Molecular consequence: missense variant.
Genome position (GRCh38, 1-based): chr1:1,043,889, G>A. VCF-style: chr1-1043889-G-A. GRCh37 (hg19) VCF-style: chr1-979269-G-A.
Other names: p.Arg622Gln; c.1865G>A, p.Arg622Gln (NM_001305275.2); c.1550G>A, p.Arg517Gln (NM_001364727.2); short protein forms R622Q, R517Q.
Identifiers: ClinVar variation 541147 (VCV000541147.50), dbSNP rs140789461, ClinGen allele CA508362.